The following is an entry in ClinVar:

NM_000069.3(CACNA1S):c.4349G>A (p.Gly1450Asp)

Gene: CACNA1S (calcium voltage-gated channel subunit alpha1 S; minus strand). Cytogenetic location: 1q32.1.
Variant type: single nucleotide variant.
Coding change: c.4349G>A on transcript NM_000069.3 (MANE Select); coding-DNA position 4349, G replaced by A.
Protein change: p.Gly1450Asp; replaces glycine 1450 with aspartic acid.
Molecular consequence: missense variant.
Genome position (GRCh38, 1-based): chr1:201,048,674, C>T on the plus strand (G>A on the coding strand, the complement: CACNA1S is on the minus strand). VCF-style: chr1-201048674-C-T. GRCh37 (hg19) VCF-style: chr1-201017802-C-T.
Other names: short protein forms G1450D.
Identifiers: ClinVar variation 2932454 (VCV002932454.3), dbSNP rs760531724, ClinGen allele CA083261.
Genomic context (GRCh38, chr1:201,048,674, plus strand): 5'-AGGGCAAAGAGTGTGGCATTGAAGGTGACTGTGCCGTCGCTGTTCAGGGGCATGTTCATG[C>T]CCACCAGCCGCTGTACAGGGAGACGCAGTGGCCTGCCGCTGAGCTGGGACCAGGCCAAGC-3'
Protein context (NP_000060.2, residues 1440-1460): PHRVACKRLV[Gly1450Asp]MNMPLNSDGT

ClinVar aggregate classification (germline): Uncertain significance (1 of 4 stars; one submission).

Conditions:
Malignant hyperthermia, susceptibility to, 5 (MHS5). Also called: CACNA1S-Related Malignant Hyperthermia Susceptibility. Identifiers: Orphanet 423, MedGen C1866077, MONDO:0011163, OMIM 601887.
Hypokalemic periodic paralysis, type 1. Also called: HypoPP; Hypokalemic Periodic Paralysis Type 1 (AD). Identifiers: Orphanet 681, MedGen C3714580, MONDO:0042979, OMIM 170400.

Allele frequency attached by ClinVar (database versions not stated): gnomAD exomes below 0.00001.
gnomAD v4.1: 3 of 1,613,180 alleles (0.00019%); no homozygotes.

Submission:

Labcorp Genetics (formerly Invitae), Labcorp
Classification: Uncertain significance for Hypokalemic periodic paralysis, type 1; Malignant hyperthermia, susceptibility to, 5. Last evaluated: 2023-06-06. Review status: criteria provided, single submitter. Criteria: Invitae Variant Classification Sherloc (09022015). Collection method: clinical testing. Allele origin: germline.
Comment: The frequency data for this variant in the population databases is considered unreliable, as metrics indicate poor data quality at this position in the gnomAD database. This variant has not been reported in the literature in individuals affected with CACNA1S-related conditions. Advanced modeling of protein sequence and biophysical properties (such as structural, functional, and spatial information, amino acid conservation, physicochemical variation, residue mobility, and thermodynamic stability) performed at Invitae indicates that this missense variant is not expected to disrupt CACNA1S protein function. Algorithms developed to predict the effect of sequence changes on RNA splicing suggest that this variant may create or strengthen a splice site. In summary, the available evidence is currently insufficient to determine the role of this variant in disease. Therefore, it has been classified as a Variant of Uncertain Significance. This sequence change replaces glycine, which is neutral and non-polar, with aspartic acid, which is acidic and polar, at codon 1450 of the CACNA1S protein (p.Gly1450Asp).